The following is an entry in ClinVar:

ClinVar aggregate classification (germline): Conflicting classifications of pathogenicity. Review status: criteria provided, conflicting classifications (1 of 4 stars). 6 submissions from 6 submitters: Uncertain significance (2); Benign (1); Likely benign (2). 1 of the submissions does not count toward it. Last evaluated 2026-02-04.

Conditions:
Primary ciliary dyskinesia 3. Identifiers: Orphanet 244, MedGen C1837618, MONDO:0012085, OMIM 608644.
Primary ciliary dyskinesia. Also called: Ciliary dyskinesia. Identifiers: Orphanet 244, MedGen C0008780, MONDO:0016575, HP:0012265.

Allele frequency attached by ClinVar (database versions not stated): gnomAD 0.00019 and 0.00025; gnomAD exomes 0.00024 and 0.00079; TOPMed 0.00034; 1000 Genomes Project 30x 0.00062; ExAC 0.00070; 1000 Genomes Project 0.00080.
gnomAD v4.1: 396 of 1,614,124 alleles (0.025%); highest among the groups gnomAD compares: East Asian, 0.77%; no homozygotes.

Submissions (6):

Labcorp Genetics (formerly Invitae), Labcorp
Classification: Likely benign for Primary ciliary dyskinesia. Last evaluated: 2026-02-04. Review status: criteria provided, single submitter. Criteria: Invitae Variant Classification Sherloc (09022015). Collection method: clinical testing. Allele origin: germline.

ARUP Laboratories, Molecular Genetics and Genomics, ARUP Laboratories
Classification: Uncertain significance for Primary ciliary dyskinesia 3. Last evaluated: 2024-11-15. Review status: criteria provided, single submitter. Criteria: ARUP Molecular Germline Variant Investigation Process 2024. Collection method: clinical testing. Allele origin: germline.
Comment: The DNAH5 c.12367C>T; p.His4123Tyr variant (rs151145750, ClinVar Variation ID: 257996) is reported in the literature in three individuals affected with laterality defects/heterotaxy; however, no additional evidence of causality was presented (Kosaki 2020, Li 2018, Liu 2022). This variant is found in the East Asian population with an allele frequency of 1.0% (207/19,922 alleles, including 1 homozygote) in the Genome Aggregation Database (v2.1.1). Computational analyses are uncertain whether this variant is neutral or deleterious (REVEL: 0.341). Due to limited information, the clinical significance of this variant is uncertain at this time. References: Kosaki R et al. Consecutive medical exome analysis at a tertiary center: Diagnostic and health-economic outcomes. Am J Med Genet A. 2020 Jul;182(7):1601-1607. PMID: 32369273. Li S et al. A novel ZIC3 gene mutation identified in patients with heterotaxy and congenital heart disease. Sci Rep. 2018 Aug 17;8(1):12386. PMID: 30120289 Liu S et al. LOF variants identifying candidate genes of laterality defects patients with congenital heart disease. PLoS Genet. 2022 Dec 2;18(12):e1010530. PMID: 36459505

Illumina Laboratory Services, Illumina
Classification: Uncertain significance for Primary ciliary dyskinesia 3. Last evaluated: 2018-01-12. Review status: criteria provided, single submitter. Criteria: ICSL Variant Classification Criteria 13 December 2019. Collection method: clinical testing. Allele origin: germline.

Ambry Genetics
Classification: Benign for Primary ciliary dyskinesia. Last evaluated: 2017-02-09. Review status: criteria provided, single submitter. Criteria: Ambry Variant Classification Scheme 2023. Collection method: clinical testing. Allele origin: germline.

PreventionGenetics, part of Exact Sciences
Classification: Likely benign. Review status: criteria provided, single submitter. Criteria: ACMG Guidelines, 2015. Collection method: clinical testing. Allele origin: germline.

Natera, Inc.
Classification: Benign for Primary ciliary dyskinesia. Last evaluated: 2020-01-24. Review status: no assertion criteria provided. Collection method: clinical testing. Allele origin: germline. Not counted in ClinVar's aggregate classification.

NM_001369.3(DNAH5):c.12367C>T (p.His4123Tyr)

Gene: DNAH5 (dynein axonemal heavy chain 5; minus strand). Cytogenetic location: 5p15.2.
Variant type: single nucleotide variant.
Coding change: c.12367C>T on transcript NM_001369.3 (MANE Select); coding-DNA position 12367, C replaced by T.
Protein change: p.His4123Tyr; replaces histidine 4123 with tyrosine.
Molecular consequence: missense variant.
Genome position (GRCh38, 1-based): chr5:13,719,014, G>A on the plus strand (C>T on the coding strand, the complement: DNAH5 is on the minus strand). VCF-style: chr5-13719014-G-A. GRCh37 (hg19) VCF-style: chr5-13719123-G-A.
Other names: short protein forms H4123Y.
Identifiers: ClinVar variation 257996 (VCV000257996.25), dbSNP rs151145750, ClinGen allele CA3201662.